The following is an entry in ClinVar:

ClinVar aggregate classification (germline): Uncertain significance. Review status: criteria provided, multiple submitters, no conflicts (2 of 4 stars). 9 submissions from 9 submitters: Uncertain significance (9). Last evaluated 2024-03-19.

Conditions:
Inborn genetic diseases. Identifiers: MedGen C0950123, MeSH D030342.
Dyskeratosis congenita. Identifiers: Orphanet 1775, MedGen C0265965, MONDO:0015780.
Cerebroretinal microangiopathy with calcifications and cysts 1 (CRMCC1). Identifiers: Orphanet 313838, MedGen C4552029, MONDO:0024564, OMIM 612199.

Allele frequency attached by ClinVar (database versions not stated): ESP Exome Variant Server 0.00032; TOPMed 0.00045; 1000 Genomes Project 30x 0.00047; 1000 Genomes Project 0.00020.
gnomAD v4.1: 916 of 1,614,150 alleles (0.057%); highest among the groups gnomAD compares: Non-Finnish European, 0.071%; no homozygotes.

Submissions (9):

Fulgent Genetics
Classification: Uncertain significance for Cerebroretinal microangiopathy with calcifications and cysts 1. Last evaluated: 2024-03-19. Review status: criteria provided, single submitter. Criteria: ACMG Guidelines, 2015. Collection method: clinical testing. Allele origin: germline.

GeneDx
Classification: Uncertain significance. Last evaluated: 2023-11-16. Review status: criteria provided, single submitter. Criteria: GeneDx Variant Classification Process June 2021. Collection method: clinical testing. Allele origin: germline.
Comment: In silico analysis supports that this missense variant does not alter protein structure/function; Has not been previously published as pathogenic or benign to our knowledge

Labcorp Genetics (formerly Invitae), Labcorp
Classification: Uncertain significance for Dyskeratosis congenita. Last evaluated: 2022-11-02. Review status: criteria provided, single submitter. Criteria: Invitae Variant Classification Sherloc (09022015). Collection method: clinical testing. Allele origin: germline.
Comment: This sequence change replaces valine, which is neutral and non-polar, with leucine, which is neutral and non-polar, at codon 186 of the CTC1 protein (p.Val186Leu). This variant is present in population databases (rs185346402, gnomAD 0.08%). This variant has not been reported in the literature in individuals affected with CTC1-related conditions. ClinVar contains an entry for this variant (Variation ID: 459604). Advanced modeling of protein sequence and biophysical properties (such as structural, functional, and spatial information, amino acid conservation, physicochemical variation, residue mobility, and thermodynamic stability) performed at Invitae indicates that this missense variant is not expected to disrupt CTC1 protein function. In summary, the available evidence is currently insufficient to determine the role of this variant in disease. Therefore, it has been classified as a Variant of Uncertain Significance.

Ambry Genetics
Classification: Uncertain significance for Inborn genetic diseases. Last evaluated: 2022-08-26. Review status: criteria provided, single submitter. Criteria: Ambry Variant Classification Scheme 2023. Collection method: clinical testing. Allele origin: germline.

Genome-Nilou Lab
Classification: Uncertain significance for Cerebroretinal microangiopathy with calcifications and cysts 1. Last evaluated: 2021-07-15. Review status: criteria provided, single submitter. Criteria: ACMG Guidelines, 2015. Collection method: clinical testing. Allele origin: germline. Affected: no.

Sema4
Classification: Uncertain significance for Dyskeratosis congenita. Last evaluated: 2021-05-24. Review status: criteria provided, single submitter. Criteria: Sema4 Curation Guidelines. Collection method: curation. Allele origin: germline.
Comment: The CTC1 c.556G>C (p.V186L) variant has not been reported in the literature to our knowledge. It was observed in 101/280800 chromosomes, with no homozygotes, in the large and broad cohorts of the Genome Aggregation Database. The variant has been reported in ClinVar (Variation ID 459604). In silico tools suggest the impact of the variant on protein function is inconclusive, though these predictions have not been confirmed by functional studies. The evidence is insufficient to meet ACMG/AMP criteria for classifying the variant as benign or pathogenic. Thus, the clinical significance of this variant is currently uncertain.

Victorian Clinical Genetics Services, Murdoch Childrens Research Institute
Classification: Uncertain significance for Cerebroretinal microangiopathy with calcifications and cysts 1. Last evaluated: 2020-05-26. Review status: criteria provided, single submitter. Criteria: ACMG Guidelines, 2015. Collection method: clinical testing. Allele origin: germline. Inheritance: Autosomal recessive inheritance.
Comment: Based on the classification scheme VCGS_Germline_v1.1.1, this variant is classified as 3B-VUS. Following criteria are met: 0102 - Loss-of-function is a known mechanism of disease for this gene. (N) 0107 - This gene is known to be associated with autosomal dominant disease. (N) 0200 - Variant is predicted to result in a missense amino acid change from valine to leucine (exon 4). (N) 0251 - Variant is heterozygous. (N) 0304 - Variant is present in gnomAD <0.01 for a recessive condition (101 heterozygotes, 0 homozygotes). (P) 0309 - An alternative amino acid change at the same position has been observed in gnomAD (18 heterozygotes, 0 homozygotes). (N) 0502 - Missense variant with conflicting in silico predictions and/or uninformative conservation. (N) 0604 - Variant is not located in an established domain, motif, hotspot or informative constraint region. (N) 0705 - No comparable variants have previous evidence for pathogenicity. (N) 0807 - Variant has not previously been reported in a clinical context. (N) 0905 - No segregation evidence has been identified for this variant. (N) 1007 - No published functional evidence has been identified for this variant. (N) 1208 - Inheritance information for this variant is not currently available. (N) Legend: (P) - Pathogenic, (N) - Neutral, (B) - Benign

Genetic Services Laboratory, University of Chicago
Classification: Uncertain significance. Last evaluated: 2019-03-27. Review status: criteria provided, single submitter. Criteria: ACMG Guidelines, 2015. Collection method: clinical testing. Allele origin: germline. Affected: no.

Illumina Laboratory Services, Illumina
Classification: Uncertain significance for Dyskeratosis congenita. Last evaluated: 2018-01-12. Review status: criteria provided, single submitter. Criteria: ICSL Variant Classification Criteria 13 December 2019. Collection method: clinical testing. Allele origin: germline.

NM_025099.6(CTC1):c.556G>C (p.Val186Leu)

Gene: CTC1 (CST telomere replication complex component 1; minus strand). Cytogenetic location: 17p13.1.
Variant type: single nucleotide variant.
Coding change: c.556G>C on transcript NM_025099.6 (MANE Select); coding-DNA position 556, G replaced by C.
Protein change: p.Val186Leu; replaces valine 186 with leucine.
Molecular consequence: missense variant. On other transcripts: non-coding transcript variant (1).
Genome position (GRCh38, 1-based): chr17:8,238,122, C>G on the plus strand (G>C on the coding strand, the complement: CTC1 is on the minus strand). VCF-style: chr17-8238122-C-G. GRCh37 (hg19) VCF-style: chr17-8141440-C-G.
Other names: short protein forms V186L.
Identifiers: ClinVar variation 459604 (VCV000459604.20), dbSNP rs185346402, ClinGen allele CA8372608.